The following is an entry in ClinVar:

NM_000108.5(DLD):c.380del (p.Lys127fs)

Gene: DLD (dihydrolipoamide dehydrogenase; plus strand). Cytogenetic location: 7q31.1.
Variant type: Deletion.
Coding change: c.380del on transcript NM_000108.5 (MANE Select); coding-DNA position 380, one base deleted (A; older notation c.380delA).
Protein change: p.Lys127fs; shifts the reading frame from lysine 127.
Molecular consequence: frameshift variant.
Genome position (GRCh38, 1-based): chr7:107,905,000, A deleted; the last of 2 consecutive A bases (chr7:107,904,999-107,905,000); deleting either gives the same sequence. VCF-style (leftmost placement, unchanged base first): chr7-107904998-GA-G. GRCh37 (hg19) VCF-style: chr7-107545443-GA-G.
Other names: c.83del, p.Lys28fs (NM_001289750.1); c.311del, p.Lys104fs (NM_001289751.1); c.380del, p.Lys127fs (NM_001289752.1); short protein forms K104fs, K28fs, K127fs.
Identifiers: ClinVar variation 2976179 (VCV002976179.3), dbSNP rs2535578376, ClinGen allele CA2684462155.
Genomic context (GRCh38, chr7:107,904,998, plus strand): 5'-ATTAATTGAACAAATTACAGTGTCCGAAGTTCGCTTGAATTTAGACAAGATGATGGAGCA[GA>G]AGAGTACTGCAGTAAAAGCTTTAACAGGTGGAATTGCCCACTTATTCAAACAGAATAAGG-3'

ClinVar aggregate classification (germline): Pathogenic (1 of 4 stars; one submission).

Conditions:
Pyruvate dehydrogenase E3 deficiency (DLDD). Also called: Dihydrolipoamide Dehydrogenase (E3) Deficiency; Lipoamide dehydrogenase deficiency, lactic acidosis due to; MAPLE SYRUP URINE DISEASE, TYPE III; Dihydrolipoamide Dehydrogenase E3 Deficiency; Dihydrolipoamide Dehydrogenase Deficiency; DLD DEFICIENCY. Identifiers: Orphanet 2394, Orphanet 765, MedGen C5574660, MONDO:0009529, OMIM 246900.

Submission:

Labcorp Genetics (formerly Invitae), Labcorp
Classification: Pathogenic for Pyruvate dehydrogenase E3 deficiency. Last evaluated: 2023-12-30. Review status: criteria provided, single submitter. Criteria: Invitae Variant Classification Sherloc (09022015). Collection method: clinical testing. Allele origin: germline.
Comment: This sequence change creates a premature translational stop signal (p.Lys127Argfs*5) in the DLD gene. It is expected to result in an absent or disrupted protein product. Loss-of-function variants in DLD are known to be pathogenic (PMID: 8968745, 9934985). This variant is not present in population databases (gnomAD no frequency). This variant has not been reported in the literature in individuals affected with DLD-related conditions. Algorithms developed to predict the effect of sequence changes on RNA splicing suggest that this variant may disrupt the consensus splice site. For these reasons, this variant has been classified as Pathogenic.

Literature cited by the submitters: PubMed 8968745; PubMed 9934985.